The following is an entry in ClinVar:

NM_032119.4(ADGRV1):c.18625-2A>G

Gene: ADGRV1 (adhesion G protein-coupled receptor V1; plus strand). Cytogenetic location: 5q14.3.
Variant type: single nucleotide variant.
Coding change: c.18625-2A>G on transcript NM_032119.4 (MANE Select); the canonical splice acceptor site of the intron before coding-DNA position 18625, A replaced by G.
Molecular consequence: splice acceptor variant.
Genome position (GRCh38, 1-based): chr5:91,153,219, A>G. VCF-style: chr5-91153219-A-G. GRCh37 (hg19) VCF-style: chr5-90449036-A-G.
Identifiers: ClinVar variation 2763810 (VCV002763810.3), dbSNP rs2533410765, ClinGen allele CA360432428.

ClinVar aggregate classification (germline): Likely pathogenic (1 of 4 stars; one submission).

Submission:

Labcorp Genetics (formerly Invitae), Labcorp
Classification: Likely pathogenic. Last evaluated: 2023-09-27. Review status: criteria provided, single submitter. Criteria: Invitae Variant Classification Sherloc (09022015). Collection method: clinical testing. Allele origin: germline.
Comment: In summary, the currently available evidence indicates that the variant is pathogenic, but additional data are needed to prove that conclusively. Therefore, this variant has been classified as Likely Pathogenic. Algorithms developed to predict the effect of sequence changes on RNA splicing suggest that this variant may disrupt the consensus splice site. This variant has not been reported in the literature in individuals affected with ADGRV1-related conditions. This variant is not present in population databases (gnomAD no frequency). This sequence change affects an acceptor splice site in intron 88 of the ADGRV1 gene. It is expected to disrupt RNA splicing. Variants that disrupt the donor or acceptor splice site typically lead to a loss of protein function (PMID: 16199547), and loss-of-function variants in ADGRV1 are known to be pathogenic (PMID: 19357117, 22135276, 22147658, 26226137, 30718709, 31047384, 32467589).

Literature cited by the submitters: PubMed 16199547; PubMed 19357117; PubMed 22135276; PubMed 22147658; PubMed 26226137; PubMed 30718709; PubMed 31047384; PubMed 32467589.